The following is an entry in ClinVar:

ClinVar aggregate classification (germline): Uncertain significance (1 of 4 stars; one submission).

Allele frequency attached by ClinVar (database versions not stated): TOPMed below 0.00001.
gnomAD v4.1: 2 of 1,201,595 alleles (0.00017%); highest among the groups gnomAD compares: Admixed American, 0.0022%; no homozygotes.

Submission:

GeneDx
Classification: Uncertain significance. Last evaluated: 2026-10-01. Review status: criteria provided, single submitter. Criteria: GeneDx Variant Classification Process June 2021. Collection method: clinical testing. Allele origin: germline.
Comment: In silico analysis suggests that this variant does not alter splicing; Has not been previously published as pathogenic or benign to our knowledge; Reported using an alternate transcript of the gene

NM_021120.4(DLG3):c.1145+662G>T

Gene: DLG3 (discs large MAGUK scaffold protein 3; plus strand). Cytogenetic location: Xq13.1.
Variant type: single nucleotide variant.
Coding change: c.1145+662G>T on transcript NM_021120.4 (MANE Select); 662 bases into the intron after coding-DNA position 1145, G replaced by T.
Molecular consequence: intron variant. On other transcripts: missense variant (1).
Genome position (GRCh38, 1-based): chrX:70,452,688, G>T. VCF-style: chrX-70452688-G-T. GRCh37 (hg19) VCF-style: chrX-69672538-G-T.
Other names: c.67G>T, p.Ala23Ser (NM_020730.3); short protein forms A23S.
Identifiers: ClinVar variation 1803396 (VCV001803396.2), dbSNP rs1367892659, ClinGen allele CA413494602.